The following is an entry in ClinVar:

ClinVar aggregate classification (germline): Uncertain significance. Review status: criteria provided, multiple submitters, no conflicts (2 of 4 stars). 3 submissions from 3 submitters: Uncertain significance (3). Last evaluated 2026-07-01.

Conditions:
Inborn genetic diseases. Identifiers: MedGen C0950123, MeSH D030342.
Emery-Dreifuss muscular dystrophy 4, autosomal dominant (EDMD4). Also called: EMERY-DREIFUSS MUSCULAR DYSTROPHY 4 WITH VARIABLE FEATURES. Identifiers: Orphanet 261, MedGen C2751807, MONDO:0013071, OMIM 612998.
Autosomal recessive ataxia, Beauce type. Also called: Spinocerebellar ataxia, autosomal recessive 8; ATAXIA, RECESSIVE, OF BEAUCE; SYNE1-Related Autosomal Recessive Cerebellar Ataxia; SYNE1 Deficiency. Identifiers: Orphanet 88644, MedGen C1853116, MONDO:0012549, OMIM 610743.

Allele frequency attached by ClinVar (database versions not stated): ExAC 0.00002.
gnomAD v4.1: 18 of 1,614,062 alleles (0.0011%); highest among the groups gnomAD compares: South Asian, 0.0044%; no homozygotes.

Submissions (3):

CeGaT Center for Human Genetics Tuebingen
Classification: Uncertain significance. Last evaluated: 2026-07-01. Review status: criteria provided, single submitter. Criteria: CeGaT Center For Human Genetics Tuebingen Variant Classification Criteria Version 2. Collection method: clinical testing. Allele origin: germline. Affected: yes. Observed: 1 variant allele.
Comment: SYNE1: PM2, BP4

Labcorp Genetics (formerly Invitae), Labcorp
Classification: Uncertain significance for Emery-Dreifuss muscular dystrophy 4, autosomal dominant; Autosomal recessive ataxia, Beauce type. Last evaluated: 2025-01-12. Review status: criteria provided, single submitter. Criteria: Invitae Variant Classification Sherloc (09022015). Collection method: clinical testing. Allele origin: germline.
Comment: This sequence change replaces valine, which is neutral and non-polar, with isoleucine, which is neutral and non-polar, at codon 7025 of the SYNE1 protein (p.Val7025Ile). This variant is present in population databases (rs749185920, gnomAD 0.006%). This variant has not been reported in the literature in individuals affected with SYNE1-related conditions. ClinVar contains an entry for this variant (Variation ID: 2254995). An algorithm developed to predict the effect of missense changes on protein structure and function (PolyPhen-2) suggests that this variant¬¨‚Ä†is likely to be tolerated. In summary, the available evidence is currently insufficient to determine the role of this variant in disease. Therefore, it has been classified as a Variant of Uncertain Significance.

Ambry Genetics
Classification: Uncertain significance for Inborn genetic diseases. Last evaluated: 2021-10-12. Review status: criteria provided, single submitter. Criteria: Ambry Variant Classification Scheme 2023. Collection method: clinical testing. Allele origin: germline.

NM_182961.4(SYNE1):c.21286G>A (p.Val7096Ile)

Gene: SYNE1 (spectrin repeat containing nuclear envelope protein 1; minus strand). Cytogenetic location: 6q25.2.
Variant type: single nucleotide variant.
Coding change: c.21286G>A on transcript NM_182961.4 (MANE Select); coding-DNA position 21286, G replaced by A.
Protein change: p.Val7096Ile; replaces valine 7096 with isoleucine.
Molecular consequence: missense variant.
Genome position (GRCh38, 1-based): chr6:152,225,786, C>T on the plus strand (G>A on the coding strand, the complement: SYNE1 is on the minus strand). VCF-style: chr6-152225786-C-T. GRCh37 (hg19) VCF-style: chr6-152546921-C-T.
Other names: c.21073G>A, p.Val7025Ile (NM_033071.5); short protein forms V7096I, V7025I.
Identifiers: ClinVar variation 2254995 (VCV002254995.4), dbSNP rs749185920, ClinGen allele CA4054200.